The following is an entry in ClinVar:

ClinVar aggregate classification (germline): Uncertain significance (1 of 4 stars; one submission).

Submission:

GeneDx
Classification: Uncertain significance. Last evaluated: 2024-11-08. Review status: criteria provided, single submitter. Criteria: GeneDx Variant Classification Process June 2021. Collection method: clinical testing. Allele origin: germline. Affected: yes.
Comment: Not observed at significant frequency in large population cohorts (gnomAD); In silico analysis is inconclusive as to whether the variant alters gene splicing. In the absence of RNA/functional studies, the actual effect of this sequence change is unknown.; Has not been previously published as pathogenic or benign to our knowledge

NM_182961.4(SYNE1):c.8004G>A (p.Gln2668=)

Gene: SYNE1 (spectrin repeat containing nuclear envelope protein 1; minus strand). Cytogenetic location: 6q25.2.
Variant type: single nucleotide variant.
Coding change: c.8004G>A on transcript NM_182961.4 (MANE Select); coding-DNA position 8004, G replaced by A.
Protein change: p.Gln2668=; no amino-acid change (glutamine 2668 retained).
Molecular consequence: synonymous variant.
Genome position (GRCh38, 1-based): chr6:152,391,277, C>T on the plus strand (G>A on the coding strand, the complement: SYNE1 is on the minus strand). VCF-style: chr6-152391277-C-T. GRCh37 (hg19) VCF-style: chr6-152712412-C-T.
Other names: c.8025G>A, p.Gln2675= (NM_033071.5).
Identifiers: ClinVar variation 3898978 (VCV003898978.1).